The following is an entry in ClinVar:

ClinVar aggregate classification (germline): Benign. Review status: criteria provided, multiple submitters, no conflicts (2 of 4 stars). 13 submissions from 12 submitters: Benign (11). 2 of the submissions do not count toward it. Last evaluated 2026-02-04.

Conditions:
ALG9 congenital disorder of glycosylation (CDG1L). Also called: CONGENITAL DISORDER OF GLYCOSYLATION, TYPE Il; ALG9-CDG; CDG Il. Identifiers: Orphanet 79328, MedGen C2931006, MONDO:0012117, OMIM 608776.
Cutis laxa with osteodystrophy (ARCL2A). Also called: Debré-Type Cutis Laxa; CUTIS LAXA WITH CONGENITAL DISORDER OF GLYCOSYLATION; CUTIS LAXA, AUTOSOMAL RECESSIVE, TYPE IIA; CUTIS LAXA WITH BONE DYSTROPHY; CUTIS LAXA WITH GROWTH AND DEVELOPMENTAL DELAY; CUTIS LAXA WITH JOINT LAXITY AND RETARDED DEVELOPMENT. Identifiers: Orphanet 357058, MedGen C0268355, MONDO:0018163, OMIM 219200. Disease mechanism: loss of function.
Wrinkly skin syndrome (WSS). Also called: Type of Gerodermia osteodysplastica. Identifiers: Orphanet 2834, MedGen C0406587, MONDO:0010208, OMIM 278250.

Allele frequency attached by ClinVar (database versions not stated): gnomAD exomes 0.64395 and 0.69782; ExAC 0.69340; ESP Exome Variant Server 0.69537; gnomAD 0.71178 and 0.71338; TOPMed 0.72594; 1000 Genomes Project 30x 0.79872; 1000 Genomes Project 0.79952.
gnomAD v4.1: 1,051,214 of 1,613,844 alleles (65%); highest among the groups gnomAD compares: East Asian, 96%; 347,608 homozygotes.

Submissions (13):

Labcorp Genetics (formerly Invitae), Labcorp
Classification: Benign for ALG9 congenital disorder of glycosylation. Last evaluated: 2026-02-04. Review status: criteria provided, single submitter. Criteria: Invitae Variant Classification Sherloc (09022015). Collection method: clinical testing. Allele origin: germline.

Women's Health and Genetics/Laboratory Corporation of America, LabCorp
Classification: Benign. Last evaluated: 2026-01-08. Review status: criteria provided, single submitter. Criteria: LabCorp Variant Classification Summary - May 2015. Collection method: clinical testing. Allele origin: germline.

Blueprint Genetics
Classification: Benign. Last evaluated: 2024-11-27. Review status: criteria provided, single submitter. Criteria: ACMG Guidelines, 2015. Collection method: clinical testing. Allele origin: germline.

Genome-Nilou Lab
Classification: Benign for Cutis laxa with osteodystrophy. Last evaluated: 2021-07-14. Review status: criteria provided, single submitter. Criteria: ACMG Guidelines, 2015. Collection method: clinical testing. Allele origin: germline. Affected: no.

Genome-Nilou Lab
Classification: Benign for Wrinkly skin syndrome. Last evaluated: 2021-07-14. Review status: criteria provided, single submitter. Criteria: ACMG Guidelines, 2015. Collection method: clinical testing. Allele origin: germline. Affected: no.

Illumina Laboratory Services, Illumina
Classification: Benign for Cutis laxa with osteodystrophy. Last evaluated: 2018-01-12. Review status: criteria provided, single submitter. Criteria: ICSL Variant Classification Criteria 13 December 2019. Collection method: clinical testing. Allele origin: germline.
Comment: This variant was observed in the ICSL laboratory as part of a predisposition screen in an ostensibly healthy population. It had not been previously curated by ICSL or reported in the Human Gene Mutation Database (HGMD: prior to June 1st, 2018), and was therefore a candidate for classification through an automated scoring system. Utilizing variant allele frequency, disease prevalence and penetrance estimates, and inheritance mode, an automated score was calculated to assess if this variant is too frequent to cause the disease. Based on the score and internal cut-off values, a variant classified as benign is not then subjected to further curation. The score for this variant resulted in a classification of benign for this disease.

Mayo Clinic Laboratories, Mayo Clinic
Classification: Benign. Last evaluated: 2017-12-21. Review status: criteria provided, single submitter. Criteria: ACMG Guidelines, 2015. Collection method: clinical testing. Allele origin: germline. Observed: 40 variant alleles.

GeneDx
Classification: Benign. Last evaluated: 2016-01-11. Review status: criteria provided, single submitter. Criteria: GeneDx Variant Classification (06012015). Collection method: clinical testing. Allele origin: germline. Affected: yes.
Comment: This variant is considered likely benign or benign based on one or more of the following criteria: it is a conservative change, it occurs at a poorly conserved position in the protein, it is predicted to be benign by multiple in silico algorithms, and/or has population frequency not consistent with disease.

Eurofins Ntd Llc (ga)
Classification: Benign. Last evaluated: 2012-07-25. Review status: criteria provided, single submitter. Criteria: EGL Classification Definitions 2015. Collection method: clinical testing. Allele origin: germline. Observed: 63 variant alleles, 30 heterozygotes, 33 homozygotes.

Breakthrough Genomics
Classification: Benign. Review status: criteria provided, single submitter. Criteria: ACMG Guidelines, 2015. Collection method: not provided. Allele origin: germline. Inheritance: Autosomal recessive inheritance. Affected: yes.

PreventionGenetics, part of Exact Sciences
Classification: Benign. Review status: criteria provided, single submitter. Criteria: ACMG Guidelines, 2015. Collection method: clinical testing. Allele origin: germline.

Diagnostic Laboratory, Department of Genetics, University Medical Center Groningen
Classification: Benign. Review status: no assertion criteria provided. Collection method: clinical testing. Allele origin: germline. Affected: yes. Study: VKGL Data-share Consensus. Not counted in ClinVar's aggregate classification.

Joint Genome Diagnostic Labs from Nijmegen and Maastricht, Radboudumc and MUMC+
Classification: Benign. Review status: no assertion criteria provided. Collection method: clinical testing. Allele origin: germline. Affected: yes. Study: VKGL Data-share Consensus. Not counted in ClinVar's aggregate classification.

NM_012463.4(ATP6V0A2):c.1515T>C (p.Asn505=)

Gene: ATP6V0A2 (ATPase H+ transporting V0 subunit a2; plus strand). Cytogenetic location: 12q24.31.
Variant type: single nucleotide variant.
Coding change: c.1515T>C on transcript NM_012463.4 (MANE Select); coding-DNA position 1515, T replaced by C.
Protein change: p.Asn505=; no amino-acid change (asparagine 505 retained).
Molecular consequence: synonymous variant.
Genome position (GRCh38, 1-based): chr12:123,744,882, T>C. VCF-style: chr12-123744882-T-C. GRCh37 (hg19) VCF-style: chr12-124229429-T-C.
Other names: p.Asn505=.
Identifiers: ClinVar variation 95520 (VCV000095520.28), dbSNP rs7135542, ClinGen allele CA148590.